The following is an entry in ClinVar:

NM_001165963.4(SCN1A):c.2923_2931del (p.Val975_Val977del)

Gene: SCN1A (sodium voltage-gated channel alpha subunit 1; minus strand). Cytogenetic location: 2q24.3.
Variant type: Deletion.
Coding change: c.2923_2931del on transcript NM_001165963.4 (MANE Select); coding-DNA positions 2923 to 2931, 9 bases deleted (GTCATGGTG; older notation c.2923_2931delGTCATGGTG).
Protein change: p.Val975_Val977del.
Molecular consequence: inframe deletion. On other transcripts: non-coding transcript variant (1).
Genome position (GRCh38, 1-based): chr2:166,037,791-166,037,799, CACCATGAC deleted on the plus strand (GTCATGGTG on the coding strand, the reverse complement: SCN1A is on the minus strand); deleting any 9 consecutive bases within chr2:166,037,791-166,037,801 gives the same sequence; the c. name uses the placement nearest the transcript's 3' end. VCF-style (leftmost placement, unchanged base first): chr2-166037790-TCACCATGAC-T. GRCh37 (hg19) VCF-style: chr2-166894300-TCACCATGAC-T.
Other names: c.2839_2847del, p.Val947_Val949del (NM_001165964.3, NM_001353957.2, NM_001353958.2); c.2923_2931del, p.Val975_Val977del (NM_001202435.3, NM_001353948.2); c.2890_2898del, p.Val964_Val966del (NM_001353949.2, NM_001353950.2, NM_001353951.2 and 2 more transcripts); c.2887_2895del, p.Val963_Val965del (NM_001353954.2, NM_001353955.2); c.2836_2844del, p.Val946_Val948del (NM_001353960.2); c.481_489del, p.Val161_Val163del (NM_001353961.2).
Identifiers: ClinVar variation 2813757 (VCV002813757.3), dbSNP rs2468094144, ClinGen allele CA2739271490.

ClinVar aggregate classification (germline): Pathogenic (1 of 4 stars; one submission).

Conditions:
Early-infantile DEE. Also called: Early infantile epileptic encephalopathy; Early infantile epileptic encephalopathy with suppression bursts; Ohtahara syndrome. Identifiers: Orphanet 1934, MedGen C0393706, MONDO:0800491.

Submission:

Labcorp Genetics (formerly Invitae), Labcorp
Classification: Pathogenic for Early-infantile DEE. Last evaluated: 2022-11-12. Review status: criteria provided, single submitter. Criteria: Invitae Variant Classification Sherloc (09022015). Collection method: clinical testing. Allele origin: germline.
Comment: This variant, c.2923_2931del, results in the deletion of 3 amino acid(s) of the SCN1A protein (p.Val975_Val977del), but otherwise preserves the integrity of the reading frame. This variant is not present in population databases (gnomAD no frequency). For these reasons, this variant has been classified as Pathogenic. This variant disrupts a region of the SCN1A protein in which other variant(s) (p.Met976Ile) have been determined to be pathogenic (PMID: 19522081, 21248271, 22071555). This suggests that this is a clinically significant region of the protein, and that variants that disrupt it are likely to be disease-causing. This variant has not been reported in the literature in individuals affected with SCN1A-related conditions.

Literature cited by the submitters: PubMed 19522081; PubMed 21248271; PubMed 22071555.